The following is an entry in ClinVar:

ClinVar aggregate classification (germline): Likely pathogenic (1 of 4 stars; one submission).

Conditions:
Cobblestone lissencephaly without muscular or ocular involvement. Also called: LEUKOENCEPHALOPATHY WITH VARIABLE CORTICAL BRAIN MALFORMATIONS AND/OR HYDROCEPHALUS; Lissencephaly 5. Identifiers: Orphanet 352682, MedGen C3554657, MONDO:0014077, OMIM 615191.

Submission:

Laboratory for Molecular Medicine, Mass General Brigham Personalized Medicine
Classification: Likely pathogenic for Cobblestone lissencephaly without muscular or ocular involvement. Last evaluated: 2023-09-12. Review status: criteria provided, single submitter. Criteria: ACMG Guidelines, 2015. Collection method: clinical testing. Allele origin: germline. Inheritance: Autosomal recessive inheritance.
Comment: The c.1000+1G>T variant in LAMB1 has not been previously reported in individuals with lissencephaly nor in large population studies. This variant occurs within the canonical splice site (+/- 1,2) and computational tools predict altered splicing leading to an abnormal or absent protein. Biallelic loss of function variants in LAMB1 have been observed in the homozygous state (some in consanguineous families) and in the compound heterozygote state in families with autosomal recessive cobblestone lissencephaly (without muscular or ocular involvement; Radmanesh 2013 PMID: 23472759, Tontudi 2015 PMID: 25925986, Minardi 2020). In summary, although additional studies are required to fully establish its clinical significance, this variant meets criteria to be classified as likely pathogenic for autosomal recessive cobblestone lissencephaly without muscular or ocular involvement. ACMG/AMP Criteria applied: PVS1, PM2_Supporting.

Literature cited by the submitters: PubMed 25925986; PubMed 23472759.

NM_002291.3(LAMB1):c.1000+1G>T

Gene: LAMB1 (laminin subunit beta 1; minus strand). Cytogenetic location: 7q31.1.
Variant type: single nucleotide variant.
Coding change: c.1000+1G>T on transcript NM_002291.3 (MANE Select); the canonical splice donor site of the intron after coding-DNA position 1000, G replaced by T.
Molecular consequence: splice donor variant.
Genome position (GRCh38, 1-based): chr7:107,978,046, C>A on the plus strand (G>T on the coding strand, the complement: LAMB1 is on the minus strand). VCF-style: chr7-107978046-C-A. GRCh37 (hg19) VCF-style: chr7-107618491-C-A.
Identifiers: ClinVar variation 3075956 (VCV003075956.1), dbSNP rs2535492696, ClinGen allele CA368878475.